The following is an entry in ClinVar:

NM_000553.6(WRN):c.1137A>C (p.Glu379Asp)

Gene: WRN (WRN RecQ like helicase; plus strand). Cytogenetic location: 8p12.
Variant type: single nucleotide variant.
Coding change: c.1137A>C on transcript NM_000553.6 (MANE Select); coding-DNA position 1137, A replaced by C.
Protein change: p.Glu379Asp; replaces glutamic acid 379 with aspartic acid.
Molecular consequence: missense variant.
Genome position (GRCh38, 1-based): chr8:31,081,164, A>C. VCF-style: chr8-31081164-A-C. GRCh37 (hg19) VCF-style: chr8-30938680-A-C.
Other names: short protein forms E379D.
Identifiers: ClinVar variation 2852162 (VCV002852162.3), dbSNP rs2535911041, ClinGen allele CA370920904.
Genomic context (GRCh38, chr8:31,081,164, plus strand): 5'-AGAAGATGTACTTGGAAATAAAGTGGAACGAAAAGAAGATGGATTTGAAGATGGAGTAGA[A>C]GACAACAAATTGAAAGAGAATATGGAAAGAGCTTGTTTGATGTCGTTAGATATTACAGAA-3'
Protein context (NP_000544.2, residues 369-389): RKEDGFEDGV[Glu379Asp]DNKLKENMER

ClinVar aggregate classification (germline): Uncertain significance (1 of 4 stars; one submission).

Conditions:
Werner syndrome (WRN). Identifiers: Orphanet 902, MedGen C0043119, MONDO:0010196, OMIM 277700.

Submission:

Labcorp Genetics (formerly Invitae), Labcorp
Classification: Uncertain significance for Werner syndrome. Last evaluated: 2023-04-05. Review status: criteria provided, single submitter. Criteria: Invitae Variant Classification Sherloc (09022015). Collection method: clinical testing. Allele origin: germline.
Comment: This variant is not present in population databases (gnomAD no frequency). This variant has not been reported in the literature in individuals affected with WRN-related conditions. An algorithm developed to predict the effect of missense changes on protein structure and function (PolyPhen-2) suggests that this variant is likely to be tolerated. In summary, the available evidence is currently insufficient to determine the role of this variant in disease. Therefore, it has been classified as a Variant of Uncertain Significance. This sequence change replaces glutamic acid, which is acidic and polar, with aspartic acid, which is acidic and polar, at codon 379 of the WRN protein (p.Glu379Asp).